The following is an entry in ClinVar:

ClinVar aggregate classification (germline): Uncertain significance (1 of 4 stars; one submission).

Conditions:
Autoimmune lymphoproliferative syndrome type 1. Also called: AUTOIMMUNE LYMPHOPROLIFERATIVE SYNDROME, TYPE I, AUTOSOMAL DOMINANT. Identifiers: Orphanet 3261, MedGen C2717884, MONDO:0011158, OMIM 601859.

Allele frequency attached by ClinVar (database versions not stated): ESP Exome Variant Server 0.00008; TOPMed 0.00058; gnomAD 0.00006.
gnomAD v4.1: 98 of 1,612,576 alleles (0.0061%); highest among the groups gnomAD compares: Non-Finnish European, 0.0059%; no homozygotes.

Submission:

Labcorp Genetics (formerly Invitae), Labcorp
Classification: Uncertain significance for Autoimmune lymphoproliferative syndrome. Last evaluated: 2021-08-26. Review status: criteria provided, single submitter. Criteria: Invitae Variant Classification Sherloc (09022015). Collection method: clinical testing. Allele origin: germline.
Comment: This sequence change replaces asparagine with serine at codon 250 of the FASLG protein (p.Asn250Ser). The asparagine residue is highly conserved and there is a small physicochemical difference between asparagine and serine. This variant is present in population databases (rs376317481, ExAC 0.002%). This variant has not been reported in the literature in individuals affected with FASLG-related conditions. Algorithms developed to predict the effect of missense changes on protein structure and function output the following: SIFT: "Tolerated"; PolyPhen-2: "Probably Damaging"; Align-GVGD: "Class C0". The serine amino acid residue is found in multiple mammalian species, which suggests that this missense change does not adversely affect protein function. In summary, the available evidence is currently insufficient to determine the role of this variant in disease. Therefore, it has been classified as a Variant of Uncertain Significance.

NM_000639.3(FASLG):c.749A>G (p.Asn250Ser)

Gene: FASLG (Fas ligand; plus strand). Cytogenetic location: 1q24.3.
Variant type: single nucleotide variant.
Coding change: c.749A>G on transcript NM_000639.3 (MANE Select); coding-DNA position 749, A replaced by G.
Protein change: p.Asn250Ser; replaces asparagine 250 with serine.
Molecular consequence: missense variant. On other transcripts: 3 prime UTR variant (1).
Genome position (GRCh38, 1-based): chr1:172,665,919, A>G. VCF-style: chr1-172665919-A-G. GRCh37 (hg19) VCF-style: chr1-172635059-A-G.
Other names: c.*319A>G (NM_001302746.2); short protein forms N250S.
Identifiers: ClinVar variation 463410 (VCV000463410.5), dbSNP rs376317481, ClinGen allele CA1247611.